The following is an entry in ClinVar:

NM_174936.4(PCSK9):c.1699G>A (p.Glu567Lys)

Gene: PCSK9 (proprotein convertase subtilisin/kexin type 9; plus strand). Cytogenetic location: 1p32.3.
Variant type: single nucleotide variant.
Coding change: c.1699G>A on transcript NM_174936.4 (MANE Select); coding-DNA position 1699, G replaced by A.
Protein change: p.Glu567Lys; replaces glutamic acid 567 with lysine.
Molecular consequence: missense variant. On other transcripts: non-coding transcript variant (8).
Genome position (GRCh38, 1-based): chr1:55,061,392, G>A. VCF-style: chr1-55061392-G-A. GRCh37 (hg19) VCF-style: chr1-55527065-G-A.
Other names: c.1822G>A, p.Glu608Lys (NM_001407240.1); c.1741G>A, p.Glu581Lys (NM_001407241.1); c.1702G>A, p.Glu568Lys (NM_001407242.1); c.1642G>A, p.Glu548Lys (NM_001407243.1); c.1525G>A, p.Glu509Lys (NM_001407244.1); c.1507G>A, p.Glu503Lys (NM_001407245.1); c.1324G>A, p.Glu442Lys (NM_001407246.1); c.1198G>A, p.Glu400Lys (NM_001407247.1); short protein forms E400K, E442K, E503K, E509K, E568K, E567K, E581K, E608K.
Identifiers: ClinVar variation 2701835 (VCV002701835.3), dbSNP rs2523277625, ClinGen allele CA340480179.

ClinVar aggregate classification (germline): Uncertain significance (1 of 4 stars; one submission).

Conditions:
Hypercholesterolemia, autosomal dominant, 3 (FHCL3). Also called: Familial Hypercholesterolemia, Autosomal Dominant, 3; PCSK9-Related Familial Hypercholesterolemia, Autosomal Dominant; Familial hypercholesterolemia 3. Identifiers: MedGen C1863551, MONDO:0011369, OMIM 603776.

Submission:

Labcorp Genetics (formerly Invitae), Labcorp
Classification: Uncertain significance for Hypercholesterolemia, autosomal dominant, 3. Last evaluated: 2023-12-09. Review status: criteria provided, single submitter. Criteria: Invitae Variant Classification Sherloc (09022015). Collection method: clinical testing. Allele origin: germline.
Comment: This sequence change replaces glutamic acid, which is acidic and polar, with lysine, which is basic and polar, at codon 567 of the PCSK9 protein (p.Glu567Lys). This variant is not present in population databases (gnomAD no frequency). This variant has not been reported in the literature in individuals affected with PCSK9-related conditions. Advanced modeling of protein sequence and biophysical properties (such as structural, functional, and spatial information, amino acid conservation, physicochemical variation, residue mobility, and thermodynamic stability) performed at Invitae indicates that this missense variant is not expected to disrupt PCSK9 protein function with a negative predictive value of 80%. In summary, the available evidence is currently insufficient to determine the role of this variant in disease. Therefore, it has been classified as a Variant of Uncertain Significance.